The following is an entry in ClinVar:

NM_001242896.3(DEPDC5):c.4093G>T (p.Asp1365Tyr)

Gene: DEPDC5 (DEP domain containing 5, GATOR1 subcomplex subunit; plus strand). Cytogenetic location: 22q12.3.
Variant type: single nucleotide variant.
Coding change: c.4093G>T on transcript NM_001242896.3 (MANE Select); coding-DNA position 4093, G replaced by T.
Protein change: p.Asp1365Tyr; replaces aspartic acid 1365 with tyrosine.
Molecular consequence: missense variant. On other transcripts: non-coding transcript variant (5).
Genome position (GRCh38, 1-based): chr22:31,893,641, G>T. VCF-style: chr22-31893641-G-T. GRCh37 (hg19) VCF-style: chr22-32289627-G-T.
Other names: c.4066G>T, p.Asp1356Tyr (NM_001136029.4); c.3793G>T, p.Asp1265Tyr (NM_001242897.2); c.4093G>T, p.Asp1365Tyr (NM_001364318.2); c.3859G>T, p.Asp1287Tyr (NM_001364319.2, NM_001363854.2); c.4027G>T, p.Asp1343Tyr (NM_001363852.2, NM_001364320.2); c.4009G>T, p.Asp1337Tyr (NM_001369901.1, NM_001369902.1); c.4000G>T, p.Asp1334Tyr (NM_001369903.1, NM_014662.6); short protein forms D1343Y, D1265Y, D1287Y, D1337Y, D1334Y, D1365Y, D1356Y.
Identifiers: ClinVar variation 1439819 (VCV001439819.6), dbSNP rs1191285429, ClinGen allele CA411286905.

ClinVar aggregate classification (germline): Uncertain significance (1 of 4 stars; one submission).

Conditions:
Familial focal epilepsy with variable foci (FPEVF). Identifiers: Orphanet 98820, MedGen C1858477, MONDO:0020310.

Submission:

Labcorp Genetics (formerly Invitae), Labcorp
Classification: Uncertain significance for Familial focal epilepsy with variable foci. Last evaluated: 2021-08-28. Review status: criteria provided, single submitter. Criteria: Invitae Variant Classification Sherloc (09022015). Collection method: clinical testing. Allele origin: germline.
Comment: This variant has not been reported in the literature in individuals affected with DEPDC5-related conditions. In summary, the available evidence is currently insufficient to determine the role of this variant in disease. Therefore, it has been classified as a Variant of Uncertain Significance. Algorithms developed to predict the effect of missense changes on protein structure and function are either unavailable or do not agree on the potential impact of this missense change (SIFT: "Deleterious"; PolyPhen-2: "Not Available"; Align-GVGD: "Class C65"). This variant is not present in population databases (ExAC no frequency). This sequence change replaces aspartic acid with tyrosine at codon 1365 of the DEPDC5 protein (p.Asp1365Tyr). The aspartic acid residue is highly conserved and there is a large physicochemical difference between aspartic acid and tyrosine.